The following is an entry in ClinVar:

ClinVar aggregate classification (germline): Uncertain significance. Review status: criteria provided, multiple submitters, no conflicts (2 of 4 stars). 2 submissions from 2 submitters: Uncertain significance (2). Last evaluated 2025-10-07.

Conditions:
Inborn genetic diseases. Identifiers: MedGen C0950123, MeSH D030342.

Allele frequency attached by ClinVar (database versions not stated): gnomAD exomes below 0.00001; gnomAD 0.00002; TOPMed 0.00002.
gnomAD v4.1: 4 of 1,612,250 alleles (0.00025%); highest among the groups gnomAD compares: Admixed American, 0.0067%; no homozygotes.

Submissions (2):

Ambry Genetics
Classification: Uncertain significance for Inborn genetic diseases. Last evaluated: 2025-10-07. Review status: criteria provided, single submitter. Criteria: Ambry Variant Classification Scheme 2023. Collection method: clinical testing. Allele origin: germline.
Comment: The c.412C>G (p.R138G) alteration is located in exon 4 (coding exon 4) of the GNAT1 gene. This alteration results from a C to G substitution at nucleotide position 412, causing the arginine (R) at amino acid position 138 to be replaced by a glycine (G). Based on data from gnomAD, the G allele has an overall frequency of <0.001% (1/247244) total alleles studied. The highest observed frequency was 0.003% (1/34526) of Latino alleles. Based on insufficient or conflicting evidence, the clinical significance of this alteration remains unclear.

Labcorp Genetics (formerly Invitae), Labcorp
Classification: Uncertain significance. Last evaluated: 2021-03-21. Review status: criteria provided, single submitter. Criteria: Invitae Variant Classification Sherloc (09022015). Collection method: clinical testing. Allele origin: germline.
Comment: In summary, the available evidence is currently insufficient to determine the role of this variant in disease. Therefore, it has been classified as a Variant of Uncertain Significance. Algorithms developed to predict the effect of missense changes on protein structure and function (SIFT, PolyPhen-2, Align-GVGD) all suggest that this variant is likely to be disruptive, but these predictions have not been confirmed by published functional studies and their clinical significance is uncertain. This variant has not been reported in the literature in individuals with GNAT1-related conditions. This variant is not present in population databases (ExAC no frequency). This sequence change replaces arginine with glycine at codon 138 of the GNAT1 protein (p.Arg138Gly). The arginine residue is highly conserved and there is a moderate physicochemical difference between arginine and glycine.

NM_144499.3(GNAT1):c.412C>G (p.Arg138Gly)

Gene: GNAT1 (G protein subunit alpha transducin 1; plus strand). Cytogenetic location: 3p21.31.
Variant type: single nucleotide variant.
Coding change: c.412C>G on transcript NM_144499.3 (MANE Select); coding-DNA position 412, C replaced by G.
Protein change: p.Arg138Gly; replaces arginine 138 with glycine.
Molecular consequence: missense variant.
Genome position (GRCh38, 1-based): chr3:50,193,626, C>G. VCF-style: chr3-50193626-C-G. GRCh37 (hg19) VCF-style: chr3-50231059-C-G.
Other names: c.412C>G, p.Arg138Gly (NM_000172.4); c.412C>G (NM_144499.2); short protein forms R138G.
Identifiers: ClinVar variation 1492183 (VCV001492183.9), dbSNP rs1268403135, ClinGen allele CA352915419.
Genomic context (GRCh38, chr3:50,193,626, plus strand): 5'-GAGATGTCGGACATCATCCAGCGGCTGTGGAAGGACTCCGGTATCCAGGCCTGTTTTGAG[C>G]GCGCCTCGGAGTACCAGCTCAACGACTCGGCGGGCTAGTGAGCGCGCGGGCAGCGCGGGG-3'
Protein context (NP_653082.1, residues 128-148): KDSGIQACFE[Arg138Gly]ASEYQLNDSA